The following is an entry in ClinVar:

ClinVar aggregate classification (germline): Uncertain significance (1 of 4 stars; one submission).

gnomAD v4.1: 1 of 1,479,796 alleles (0.000068%); highest among the groups gnomAD compares: South Asian, 0.0014%; no homozygotes.

Submission:

GeneDx
Classification: Uncertain significance. Last evaluated: 2024-07-18. Review status: criteria provided, single submitter. Criteria: GeneDx Variant Classification Process June 2021. Collection method: clinical testing. Allele origin: germline. Affected: yes.
Comment: Not observed at significant frequency in large population cohorts (gnomAD); Missense variant in a gene in which most reported pathogenic variants are truncating/loss of function; Has not been previously published as pathogenic or benign to our knowledge; Located in a region of TTN within the I-band in which the majority of loss of function variants are significantly associated with autosomal dominant titinopathies (PMID: 27625338, 27869827)

NM_001267550.2(TTN):c.40010A>C (p.Lys13337Thr)

Gene: TTN (titin; minus strand). Cytogenetic location: 2q31.2.
Variant type: single nucleotide variant.
Coding change: c.40010A>C on transcript NM_001267550.2 (MANE Select); coding-DNA position 40010, A replaced by C.
Protein change: p.Lys13337Thr; replaces lysine 13337 with threonine.
Molecular consequence: missense variant. On other transcripts: intron variant (5).
Genome position (GRCh38, 1-based): chr2:178,649,295, T>G on the plus strand (A>C on the coding strand, the complement: TTN is on the minus strand). VCF-style: chr2-178649295-T-G. GRCh37 (hg19) VCF-style: chr2-179514022-T-G.
Other names: c.13283-6978A>C (NM_003319.4); c.13859-6978A>C (NM_133437.4); c.13658-6978A>C (NM_133432.3); c.32593+522A>C (NM_133378.4); c.35374+522A>C (NM_001256850.1); short protein forms K13337T.
Identifiers: ClinVar variation 3573550 (VCV003573550.1).